The following is an entry in ClinVar:

ClinVar aggregate classification (germline): Conflicting classifications of pathogenicity. Review status: criteria provided, conflicting classifications (1 of 4 stars). 4 submissions from 4 submitters: Uncertain significance (1); Benign (1); Likely benign (2). Last evaluated 2025-04-07.

Conditions:
Melanoma, cutaneous malignant, susceptibility to, 3. Also called: Cutaneous malignant melanoma 3. Identifiers: Orphanet 618, MedGen C1836892, MONDO:0012183, OMIM 609048.
Familial melanoma. Also called: Hereditary melanoma; Hereditary cutaneous melanoma. Identifiers: Orphanet 618, MedGen C1512419, MONDO:0018961.
Hereditary cancer-predisposing syndrome. Also called: Neoplastic Syndromes, Hereditary; Tumor predisposition; Hereditary Cancer Syndrome; Hereditary neoplastic syndrome. Identifiers: Orphanet 140162, MedGen C0027672, MeSH D009386, MONDO:0015356.

Submissions (4):

Labcorp Genetics (formerly Invitae), Labcorp
Classification: Likely benign for Familial melanoma. Last evaluated: 2025-04-07. Review status: criteria provided, single submitter. Criteria: Invitae Variant Classification Sherloc (09022015). Collection method: clinical testing. Allele origin: germline.

Myriad Genetics, Inc.
Classification: Benign for Melanoma, cutaneous malignant, susceptibility to, 3. Last evaluated: 2024-09-24. Review status: criteria provided, single submitter. Criteria: Myriad Autosomal Dominant, Autosomal Recessive and X-Linked Classification Criteria (2023). Collection method: clinical testing. Allele origin: unknown.
Comment: This variant is considered benign. This variant is a silent/synonymous amino acid change and it is not expected to impact splicing.

Illumina Laboratory Services, Illumina
Classification: Uncertain significance for Melanoma, cutaneous malignant, susceptibility to, 3. Last evaluated: 2018-01-13. Review status: criteria provided, single submitter. Criteria: ICSL Variant Classification Criteria 13 December 2019. Collection method: clinical testing. Allele origin: germline.

Ambry Genetics
Classification: Likely benign for Hereditary cancer-predisposing syndrome. Last evaluated: 2014-10-16. Review status: criteria provided, single submitter. Criteria: Ambry Variant Classification Scheme 2023. Collection method: clinical testing. Allele origin: germline.

NM_000075.4(CDK4):c.42C>T (p.Val14=)

Gene: CDK4 (cyclin dependent kinase 4; minus strand). Cytogenetic location: 12q14.1.
Variant type: single nucleotide variant.
Coding change: c.42C>T on transcript NM_000075.4 (MANE Select); coding-DNA position 42, C replaced by T.
Protein change: p.Val14=; no amino-acid change (valine 14 retained).
Molecular consequence: synonymous variant.
Genome position (GRCh38, 1-based): chr12:57,751,676, G>A on the plus strand (C>T on the coding strand, the complement: CDK4 is on the minus strand). VCF-style: chr12-57751676-G-A. GRCh37 (hg19) VCF-style: chr12-58145459-G-A.
Identifiers: ClinVar variation 186740 (VCV000186740.18), dbSNP rs786203182, ClinGen allele CA195725.